The following is an entry in ClinVar:

NM_022369.4(STRA6):c.1631T>C (p.Leu544Pro)

Gene: STRA6 (signaling receptor and transporter of retinol STRA6; minus strand). Cytogenetic location: 15q24.1.
Variant type: single nucleotide variant.
Coding change: c.1631T>C on transcript NM_022369.4 (MANE Select); coding-DNA position 1631, T replaced by C.
Protein change: p.Leu544Pro; replaces leucine 544 with proline.
Molecular consequence: missense variant.
Genome position (GRCh38, 1-based): chr15:74,181,348, A>G on the plus strand (T>C on the coding strand, the complement: STRA6 is on the minus strand). VCF-style: chr15-74181348-A-G. GRCh37 (hg19) VCF-style: chr15-74473689-A-G.
Other names: c.1631T>C, p.Leu544Pro (NM_001142617.2, NM_001142618.2); c.1604T>C, p.Leu535Pro (NM_001142619.2); c.1742T>C, p.Leu581Pro (NM_001199040.2); c.1676T>C, p.Leu559Pro (NM_001199041.2); c.1748T>C, p.Leu583Pro (NM_001199042.2); short protein forms L535P, L544P, L559P, L581P, L583P.
Identifiers: ClinVar variation 2497862 (VCV002497862.2), dbSNP rs2505752617, ClinGen allele CA393129379.

ClinVar aggregate classification (germline): Uncertain significance (1 of 4 stars; one submission).

Submission:

GeneDx
Classification: Uncertain significance. Last evaluated: 2023-11-02. Review status: criteria provided, single submitter. Criteria: GeneDx Variant Classification Process June 2021. Collection method: clinical testing. Allele origin: germline.
Comment: Not observed at significant frequency in large population cohorts (gnomAD); In silico analysis supports that this missense variant has a deleterious effect on protein structure/function; Has not been previously published as pathogenic or benign to our knowledge